The following is an entry in ClinVar:

ClinVar aggregate classification (germline): Conflicting classifications of pathogenicity. Review status: criteria provided, conflicting classifications (1 of 4 stars). 2 submissions from 2 submitters: Uncertain significance (1); Benign (1). Last evaluated 2023-09-14.

Conditions:
Occult macular dystrophy (OCMD). Also called: OCCULT MACULAR DYSTROPHY, SUSCEPTIBILITY TO; OMD. Identifiers: Orphanet 247834, MedGen C3150833, MONDO:0013316, OMIM 613587, HP:0030636.
Inborn genetic diseases. Identifiers: MedGen C0950123, MeSH D030342.

Allele frequency attached by ClinVar (database versions not stated): TOPMed 0.00002; gnomAD 0.00003; gnomAD exomes 0.00004; ExAC 0.00005.
gnomAD v4.1: 11 of 1,614,056 alleles (0.00068%); highest among the groups gnomAD compares: East Asian, 0.018%; no homozygotes.

Submissions (2):

Ambry Genetics
Classification: Uncertain significance for Inborn genetic diseases. Last evaluated: 2023-09-14. Review status: criteria provided, single submitter. Criteria: Ambry Variant Classification Scheme 2023. Collection method: clinical testing. Allele origin: germline.

Illumina Laboratory Services, Illumina
Classification: Benign for Occult macular dystrophy. Last evaluated: 2018-01-13. Review status: criteria provided, single submitter. Criteria: ICSL Variant Classification Criteria 13 December 2019. Collection method: clinical testing. Allele origin: germline.
Comment: This variant was observed in the ICSL laboratory as part of a predisposition screen in an ostensibly healthy population. It had not been previously curated by ICSL or reported in the Human Gene Mutation Database (HGMD: prior to June 1st, 2018), and was therefore a candidate for classification through an automated scoring system. Utilizing variant allele frequency, disease prevalence and penetrance estimates, and inheritance mode, an automated score was calculated to assess if this variant is too frequent to cause the disease. Based on the score and internal cut-off values, a variant classified as benign is not then subjected to further curation. The score for this variant resulted in a classification of benign for this disease.

NM_178857.6(RP1L1):c.5483A>C (p.Gln1828Pro)

Gene: RP1L1 (RP1 like 1). Cytogenetic location: 8p23.1.
Variant type: single nucleotide variant.
Coding change: c.5483A>C on transcript NM_178857.6 (MANE Select); coding-DNA position 5483, A replaced by C.
Protein change: p.Gln1828Pro; replaces glutamine 1828 with proline.
Molecular consequence: missense variant.
Genome position (GRCh38, 1-based): chr8:10,608,615, T>G on the plus strand (A>C on the coding strand, the complement: RP1L1 is on the minus strand). VCF-style: chr8-10608615-T-G. GRCh37 (hg19) VCF-style: chr8-10466125-T-G.
Other names: short protein forms Q1828P.
Identifiers: ClinVar variation 361251 (VCV000361251.7), dbSNP rs772616971, ClinGen allele CA4623635.
Genomic context (GRCh38, chr8:10,608,615, plus strand): 5'-GACTCTGGCTGGGCCTCCCCTTCAGCCTCCGGGGCCTCTATGCCTTCGGCCCCATCACTC[T>G]GTCCTGGATCTTGGTCACCTCCTGCCGCAGCTTCACCCTGCAAGTTGTCCTCATGCCCAG-3'
Protein context (NP_849188.4, residues 1818-1838): AAAGGDQDPG[Gln1828Pro]SDGAEGIEAP